The following is an entry in ClinVar:

ClinVar aggregate classification (germline): Uncertain significance (1 of 4 stars; one submission).

Allele frequency attached by ClinVar (database versions not stated): ESP Exome Variant Server 0.00008.
gnomAD v4.1: 62 of 1,613,870 alleles (0.0038%); highest among the groups gnomAD compares: East Asian, 0.029%; no homozygotes.

Submission:

Labcorp Genetics (formerly Invitae), Labcorp
Classification: Uncertain significance. Last evaluated: 2024-12-02. Review status: criteria provided, single submitter. Criteria: Invitae Variant Classification Sherloc (09022015). Collection method: clinical testing. Allele origin: germline.
Comment: This sequence change replaces arginine, which is basic and polar, with histidine, which is basic and polar, at codon 309 of the CDC45 protein (p.Arg309His). This variant is present in population databases (rs145642842, gnomAD 0.01%). This variant has not been reported in the literature in individuals affected with CDC45-related conditions. ClinVar contains an entry for this variant (Variation ID: 1515369). An algorithm developed to predict the effect of missense changes on protein structure and function (PolyPhen-2) suggests that this variant is likely to be tolerated. In summary, the available evidence is currently insufficient to determine the role of this variant in disease. Therefore, it has been classified as a Variant of Uncertain Significance.

NM_003504.5(CDC45):c.830G>A (p.Arg277His)

Gene: CDC45 (cell division cycle 45; plus strand). Cytogenetic location: 22q11.21.
Variant type: single nucleotide variant.
Coding change: c.830G>A on transcript NM_003504.5 (MANE Select); coding-DNA position 830, G replaced by A.
Protein change: p.Arg277His; replaces arginine 277 with histidine.
Molecular consequence: missense variant. On other transcripts: non-coding transcript variant (1).
Genome position (GRCh38, 1-based): chr22:19,507,391, G>A. VCF-style: chr22-19507391-G-A. GRCh37 (hg19) VCF-style: chr22-19494914-G-A.
Other names: c.926G>A, p.Arg309His (NM_001178010.2); c.692G>A, p.Arg231His (NM_001178011.2); c.794G>A, p.Arg265His (NM_001369291.1); short protein forms R309H, R231H, R277H, R265H.
Identifiers: ClinVar variation 1515369 (VCV001515369.5), dbSNP rs145642842, ClinGen allele CA10101263.